The following is an entry in ClinVar:

ClinVar aggregate classification (germline): Uncertain significance (1 of 4 stars; one submission).

Conditions:
Inborn genetic diseases. Identifiers: MedGen C0950123, MeSH D030342.

gnomAD v4.1: 2 of 1,613,852 alleles (0.00012%); highest among the groups gnomAD compares: Non-Finnish European, 0.00017%; no homozygotes.

Submission:

Ambry Genetics
Classification: Uncertain significance for Inborn genetic diseases. Last evaluated: 2026-08-31. Review status: criteria provided, single submitter. Criteria: Ambry Variant Classification Scheme 2023. Collection method: clinical testing. Allele origin: germline.
Comment: The p.F1032L variant (also known as c.3094T>C), located in coding exon 14 of the MECOM gene, results from a T to C substitution at nucleotide position 3094. The phenylalanine at codon 1032 is replaced by leucine, an amino acid with highly similar properties. This amino acid position is conserved. In addition, the in silico prediction for this alteration is inconclusive. Based on the available evidence, the clinical significance of this variant remains unclear.

NM_004991.4(MECOM):c.3094T>C (p.Phe1032Leu)

Gene: MECOM (MDS1 and EVI1 complex locus; minus strand). Cytogenetic location: 3q26.2.
Variant type: single nucleotide variant.
Coding change: c.3094T>C on transcript NM_004991.4 (MANE Select); coding-DNA position 3094, T replaced by C.
Protein change: p.Phe1032Leu; replaces phenylalanine 1032 with leucine.
Molecular consequence: missense variant.
Genome position (GRCh38, 1-based): chr3:169,093,028, A>G on the plus strand (T>C on the coding strand, the complement: MECOM is on the minus strand). VCF-style: chr3-169093028-A-G. GRCh37 (hg19) VCF-style: chr3-168810816-A-G.
Other names: c.2725T>C, p.Phe909Leu (NM_001105077.4); c.2530T>C, p.Phe844Leu (NM_001105078.4, NM_001205194.2, NM_001366469.2 and 1 more transcripts); c.2506T>C, p.Phe836Leu (NM_001163999.2, NM_001366470.2); c.2503T>C, p.Phe835Leu (NM_001164000.2, NM_001366471.2, NM_001366472.2); c.3067T>C, p.Phe1023Leu (NM_001366466.2); c.2533T>C, p.Phe845Leu (NM_001366467.2, NM_001366468.2); c.2095T>C, p.Phe699Leu (NM_001366473.2); c.1531T>C, p.Phe511Leu (NM_001366474.2); short protein forms F835L, F844L, F1023L, F1032L, F511L, F699L, F836L, F845L.
Identifiers: ClinVar variation 5024204 (VCV005024204.1).
Genomic context (GRCh38, chr3:169,093,028, plus strand): 5'-CATTCCTGGGAGATTGGCTGCCATGGTTGCTGTTCCCAATGAAATTTCGAATTTCTGTGA[A>G]GTAAGCATCTTCTTTGTCATCCAGAATCGCACCTGTACTTTCCAGTTCAGAATGAGGCGA-3'
Protein context (NP_004982.2, residues 1022-1042): AILDDKEDAY[Phe1032Leu]TEIRNFIGNS